The following is an entry in ClinVar:

NM_005359.6(SMAD4):c.828C>A (p.Tyr276Ter)

Gene: SMAD4 (SMAD family member 4; plus strand). Cytogenetic location: 18q21.2.
Variant type: single nucleotide variant.
Coding change: c.828C>A on transcript NM_005359.6 (MANE Select); coding-DNA position 828, C replaced by A.
Protein change: p.Tyr276Ter; replaces tyrosine 276 with a stop codon.
Molecular consequence: nonsense. On other transcripts: non-coding transcript variant (2).
Genome position (GRCh38, 1-based): chr18:51,058,380, C>A. VCF-style: chr18-51058380-C-A. GRCh37 (hg19) VCF-style: chr18-48584750-C-A.
Other names: p.Tyr276*; c.828C>A, p.Tyr276Ter (NM_001407041.1, NM_001407042.1, NM_001407043.1); short protein forms Y276*.
Identifiers: ClinVar variation 4542262 (VCV004542262.1).
Genomic context (GRCh38, chr18:51,058,380, plus strand): 5'-ATGTGGGCCTTAATTTTTAGACAGCACTACCACCTGGACTGGAAGTAGGACTGCACCATA[C>A]ACACCTAATTTGCCTCACCACCAAAACGGCCATCTTCAGCACCACCCGCCTATGCCGCCC-3'

ClinVar aggregate classification (germline): Pathogenic (1 of 4 stars; one submission).

Submission:

Mayo Clinic Laboratories, Mayo Clinic
Classification: Pathogenic. Last evaluated: 2025-10-16. Review status: criteria provided, single submitter. Criteria: ACMG Guidelines, 2015. Collection method: clinical testing. Allele origin: germline. Observed: 1 variant allele.
Comment: PM2_supporting, PS1, PVS1